The following is an entry in ClinVar:

ClinVar aggregate classification (germline): Uncertain significance (1 of 4 stars; one submission).

Conditions:
Niemann-Pick disease, type B. Also called: Chronic Visceral ASMD (Niemann-Pick Disease Type B; NPD-B). Identifiers: Orphanet 77293, MedGen C0268243, MONDO:0011871, OMIM 607616. Disease mechanism: loss of function.
Niemann-Pick disease, type A. Also called: Infantile Neurovisceral ASMD (Niemann-Pick Disease Type A; NPD-A); SPHINGOMYELIN LIPIDOSIS; SPHINGOMYELINASE DEFICIENCY. Identifiers: Orphanet 77292, MedGen C0268242, MONDO:0009756, OMIM 257200. Disease mechanism: loss of function.

Allele frequency attached by ClinVar (database versions not stated): gnomAD 0.00001; gnomAD exomes 0.00001; TOPMed 0.00001.

Submission:

Labcorp Genetics (formerly Invitae), Labcorp
Classification: Uncertain significance for Niemann-Pick disease, type B; Niemann-Pick disease, type A. Last evaluated: 2024-10-07. Review status: criteria provided, single submitter. Criteria: Invitae Variant Classification Sherloc (09022015). Collection method: clinical testing. Allele origin: germline.
Comment: This sequence change replaces histidine, which is basic and polar, with tyrosine, which is neutral and polar, at codon 577 of the SMPD1 protein (p.His577Tyr). This variant is present in population databases (no rsID available, gnomAD 0.007%). This variant has not been reported in the literature in individuals affected with SMPD1-related conditions. ClinVar contains an entry for this variant (Variation ID: 2159240). Invitae Evidence Modeling of protein sequence and biophysical properties (such as structural, functional, and spatial information, amino acid conservation, physicochemical variation, residue mobility, and thermodynamic stability) indicates that this missense variant is not expected to disrupt SMPD1 protein function with a negative predictive value of 80%. This variant disrupts the p.His577 amino acid residue in SMPD1. Other variant(s) that disrupt this residue have been determined to be pathogenic (PMID: 20386867; internal data). This suggests that this residue is clinically significant, and that variants that disrupt this residue are likely to be disease-causing. In summary, the available evidence is currently insufficient to determine the role of this variant in disease. Therefore, it has been classified as a Variant of Uncertain Significance.

Literature cited by the submitters: PubMed 20386867.

NM_000543.5(SMPD1):c.1729C>T (p.His577Tyr)

Gene: SMPD1 (sphingomyelin phosphodiesterase 1; plus strand). Cytogenetic location: 11p15.4.
Variant type: single nucleotide variant.
Coding change: c.1729C>T on transcript NM_000543.5 (MANE Select); coding-DNA position 1729, C replaced by T.
Protein change: p.His577Tyr; replaces histidine 577 with tyrosine.
Molecular consequence: missense variant. On other transcripts: 3 prime UTR variant (1), non-coding transcript variant (2).
Genome position (GRCh38, 1-based): chr11:6,394,440, C>T. VCF-style: chr11-6394440-C-T. GRCh37 (hg19) VCF-style: chr11-6415670-C-T.
Other names: c.1726C>T, p.His576Tyr (NM_001007593.3); c.*222C>T (NM_001318087.2); c.808C>T, p.His270Tyr (NM_001318088.2); c.1597C>T, p.His533Tyr (NM_001365135.2); short protein forms H270Y, H533Y, H576Y, H577Y.
Identifiers: ClinVar variation 2159240 (VCV002159240.3), dbSNP rs918484312, ClinGen allele CA217302932.